The following is an entry in ClinVar:

ClinVar aggregate classification (germline): Likely pathogenic (1 of 4 stars; one submission).

Conditions:
Autosomal recessive SPG11-related disorders.

gnomAD v4.1: 3 of 1,614,168 alleles (0.00019%); highest among the groups gnomAD compares: Non-Finnish European, 0.00025%; no homozygotes.

Submission:

Variantyx, Inc.
Classification: Likely pathogenic for Autosomal recessive SPG11-related disorders. Last evaluated: 2025-12-24. Review status: criteria provided, single submitter. Criteria: Variantyx Assertion Criteria 2022. Collection method: clinical testing. Allele origin: germline. Inheritance: Autosomal recessive inheritance. Affected: no.
Comment: This is a nonsense variant in the SPG11 gene (OMIM: 610844). Pathogenic variants in this gene have been associated with autosomal recessive SPG11-related disorders. This variant introduces a premature termination codon in exon 25 out of 40 and is expected to result in loss of function, which is a known disease mechanism for SPG11 in these disorders (PMID: 19105190, 20110243, 22154821, 26556829) (PVS1). This variant has a 0.0003% maximum allele frequency in non-founder control populations (PM2) and it has not been reported in individuals with SPG11-related disorders in the databases available for review. Based on the current evidence, this variant is classified as likely pathogenic for autosomal recessive SPG11-related disorders.

Literature cited by the submitters: PubMed 19105190; PubMed 20110243; PubMed 22154821; PubMed 26556829.

NM_025137.4(SPG11):c.4327G>T (p.Glu1443Ter)

Gene: SPG11 (SPG11 vesicle trafficking associated, spatacsin; minus strand). Cytogenetic location: 15q21.1.
Variant type: single nucleotide variant.
Coding change: c.4327G>T on transcript NM_025137.4 (MANE Select); coding-DNA position 4327, G replaced by T.
Protein change: p.Glu1443Ter; replaces glutamic acid 1443 with a stop codon.
Molecular consequence: nonsense.
Genome position (GRCh38, 1-based): chr15:44,596,190, C>A on the plus strand (G>T on the coding strand, the complement: SPG11 is on the minus strand). VCF-style: chr15-44596190-C-A. GRCh37 (hg19) VCF-style: chr15-44888388-C-A.
Other names: c.4327G>T, p.Glu1443Ter (NM_001160227.2, NM_001411132.1); short protein forms E1443*.
Identifiers: ClinVar variation 4849994 (VCV004849994.1).